The following is an entry in ClinVar:

NM_005157.6(ABL1):c.3109G>A (p.Glu1037Lys)

Gene: ABL1 (ABL proto-oncogene 1, non-receptor tyrosine kinase; plus strand). Cytogenetic location: 9q34.12.
Variant type: single nucleotide variant.
Coding change: c.3109G>A on transcript NM_005157.6 (MANE Select); coding-DNA position 3109, G replaced by A.
Protein change: p.Glu1037Lys; replaces glutamic acid 1037 with lysine.
Molecular consequence: missense variant.
Genome position (GRCh38, 1-based): chr9:130,885,399, G>A. VCF-style: chr9-130885399-G-A. GRCh37 (hg19) VCF-style: chr9-133760786-G-A.
Other names: c.3166G>A, p.Glu1056Lys (NM_007313.3); short protein forms E1037K, E1056K.
Identifiers: ClinVar variation 3606312 (VCV003606312.2).

ClinVar aggregate classification (germline): Uncertain significance (1 of 4 stars; one submission).

Submission:

Labcorp Genetics (formerly Invitae), Labcorp
Classification: Uncertain significance. Last evaluated: 2024-09-11. Review status: criteria provided, single submitter. Criteria: Invitae Variant Classification Sherloc (09022015). Collection method: clinical testing. Allele origin: germline.
Comment: This sequence change replaces glutamic acid, which is acidic and polar, with lysine, which is basic and polar, at codon 1056 of the ABL1 protein (p.Glu1056Lys). This variant is present in population databases (no rsID available, gnomAD 0.003%). This variant has not been reported in the literature in individuals affected with ABL1-related conditions. Invitae Evidence Modeling of protein sequence and biophysical properties (such as structural, functional, and spatial information, amino acid conservation, physicochemical variation, residue mobility, and thermodynamic stability) indicates that this missense variant is not expected to disrupt ABL1 protein function with a negative predictive value of 80%. In summary, the available evidence is currently insufficient to determine the role of this variant in disease. Therefore, it has been classified as a Variant of Uncertain Significance.